The following is an entry in ClinVar:

NM_000212.3(ITGB3):c.2231T>C (p.Leu744Pro)

Genes: EFCAB13-DT (EFCAB13 divergent transcript; minus strand), ITGB3 (integrin subunit beta 3; plus strand). Cytogenetic location: 17q21.32.
Variant type: single nucleotide variant.
Coding change: c.2231T>C on transcript NM_000212.3 (MANE Select); coding-DNA position 2231, T replaced by C.
Protein change: p.Leu744Pro; replaces leucine 744 with proline.
Molecular consequence: missense variant.
Genome position (GRCh38, 1-based): chr17:47,307,567, T>C. VCF-style: chr17-47307567-T-C. GRCh37 (hg19) VCF-style: chr17-45384933-T-C.
Other names: L718P; short protein forms L744P.
Identifiers: ClinVar variation 50229 (VCV000050229.5), dbSNP rs398122374, ClinGen allele CA143712.

ClinVar aggregate classification (germline): Uncertain significance. Review status: criteria provided, single submitter (1 of 4 stars). 2 submissions from 2 submitters: Uncertain significance (1). 1 of the submissions does not count toward it.

Conditions:
Bleeding disorder, platelet-type, 24. Also called: GLANZMANN THROMBASTHENIA-LIKE WITH MACROTHROMBOCYTOPENIA 2. Identifiers: MedGen C5543280, MONDO:0030996, OMIM 619271.

Submissions (2):

ISTH-SSC Genomics in Thrombosis and Hemostasis, KU Leuven, Center for Molecular and Vascular Biology
Classification: Uncertain significance for Bleeding disorder, platelet-type, 24. Review status: criteria provided, single submitter. Criteria: ACMG Guidelines, 2015. Collection method: clinical testing. Allele origin: germline. Affected: yes. Observed: 1 heterozygote.
Comment: Submitted to the GoldVariant database by Dr Marie-Christine Morel-Kopp; Northern Blood Research Centre, Sydney, Australia

OMIM
Classification: Pathogenic for BLEEDING DISORDER, PLATELET-TYPE, 24. Last evaluated: 2013-02-01. Review status: no assertion criteria provided. Collection method: literature only. Allele origin: germline. Not counted in ClinVar's aggregate classification.

Literature cited by the submitters: PubMed 20081061 (cited by OMIM); PubMed 23253071 (cited by OMIM).